The following is an entry in ClinVar:

NM_007289.4(MME):c.1123T>C (p.Phe375Leu)

Gene: MME (membrane metalloendopeptidase; plus strand). Cytogenetic location: 3q25.2.
Variant type: single nucleotide variant.
Coding change: c.1123T>C on transcript NM_007289.4 (MANE Select); coding-DNA position 1123, T replaced by C.
Protein change: p.Phe375Leu; replaces phenylalanine 375 with leucine.
Molecular consequence: missense variant.
Genome position (GRCh38, 1-based): chr3:155,142,265, T>C. VCF-style: chr3-155142265-T-C. GRCh37 (hg19) VCF-style: chr3-154860054-T-C.
Other names: c.1123T>C, p.Phe375Leu (NM_000902.5, NM_001354642.2, NM_001354643.1 and 2 more transcripts); c.1123T>C (NM_007289.2); short protein forms F375L.
Identifiers: ClinVar variation 1516347 (VCV001516347.4), dbSNP rs201199411, ClinGen allele CA85828603.

ClinVar aggregate classification (germline): Uncertain significance. Review status: criteria provided, multiple submitters, no conflicts (2 of 4 stars). 2 submissions from 2 submitters: Uncertain significance (2). Last evaluated 2022-06-24.

Conditions:
Inborn genetic diseases. Identifiers: MedGen C0950123, MeSH D030342.

Allele frequency attached by ClinVar (database versions not stated): gnomAD 0.00001; gnomAD exomes 0.00001; TOPMed 0.00001.
gnomAD v4.1: 16 of 1,613,524 alleles (0.00099%); highest among the groups gnomAD compares: Non-Finnish European, 0.0013%; no homozygotes.

Submissions (2):

Ambry Genetics
Classification: Uncertain significance for Inborn genetic diseases. Last evaluated: 2022-06-24. Review status: criteria provided, single submitter. Criteria: Ambry Variant Classification Scheme 2023. Collection method: clinical testing. Allele origin: germline.

Labcorp Genetics (formerly Invitae), Labcorp
Classification: Uncertain significance. Last evaluated: 2021-08-30. Review status: criteria provided, single submitter. Criteria: Invitae Variant Classification Sherloc (09022015). Collection method: clinical testing. Allele origin: germline.
Comment: This sequence change replaces phenylalanine with leucine at codon 375 of the MME protein (p.Phe375Leu). The phenylalanine residue is moderately conserved and there is a small physicochemical difference between phenylalanine and leucine. This variant is not present in population databases (ExAC no frequency). This variant has not been reported in the literature in individuals affected with MME-related conditions. Algorithms developed to predict the effect of missense changes on protein structure and function output the following: SIFT: "Tolerated"; PolyPhen-2: "Benign"; Align-GVGD: "Class C0". The leucine amino acid residue is found in multiple mammalian species, which suggests that this missense change does not adversely affect protein function. In summary, the available evidence is currently insufficient to determine the role of this variant in disease. Therefore, it has been classified as a Variant of Uncertain Significance.